The following is an entry in ClinVar:

ClinVar aggregate classification (germline): Uncertain significance (1 of 4 stars; one submission).

gnomAD v4.1: 1 of 1,614,026 alleles (0.000062%); no homozygotes.

Submission:

Labcorp Genetics (formerly Invitae), Labcorp
Classification: Uncertain significance. Last evaluated: 2025-10-06. Review status: criteria provided, single submitter. Criteria: Invitae Variant Classification Sherloc (09022015). Collection method: clinical testing. Allele origin: germline.
Comment: This sequence change replaces aspartic acid, which is acidic and polar, with glycine, which is neutral and non-polar, at codon 630 of the JAK1 protein (p.Asp630Gly). This variant is not present in population databases (gnomAD no frequency). This variant has not been reported in the literature in individuals affected with JAK1-related conditions. ClinVar contains an entry for this variant (Variation ID: 2975664). Invitae Evidence Modeling of protein sequence and biophysical properties (such as structural, functional, and spatial information, amino acid conservation, physicochemical variation, residue mobility, and thermodynamic stability) indicates that this missense variant is not expected to disrupt JAK1 protein function with a negative predictive value of 80%. Algorithms developed to predict the effect of sequence changes on RNA splicing suggest that this variant may create or strengthen a splice site. In summary, the available evidence is currently insufficient to determine the role of this variant in disease. Therefore, it has been classified as a Variant of Uncertain Significance.

NM_002227.4(JAK1):c.1889A>G (p.Asp630Gly)

Genes: JAK1 (Janus kinase 1; minus strand), LOC126805749 (BRD4-independent group 4 enhancer GRCh37_chr1:65312286-65313485; plus strand). Cytogenetic location: 1p31.3.
Variant type: single nucleotide variant.
Coding change: c.1889A>G on transcript NM_002227.4 (MANE Select); coding-DNA position 1889, A replaced by G.
Protein change: p.Asp630Gly; replaces aspartic acid 630 with glycine.
Molecular consequence: missense variant.
Genome position (GRCh38, 1-based): chr1:64,847,542, T>C on the plus strand (A>G on the coding strand, the complement: JAK1 is on the minus strand). VCF-style: chr1-64847542-T-C. GRCh37 (hg19) VCF-style: chr1-65313225-T-C.
Other names: c.1889A>G, p.Asp630Gly (NM_001320923.2, NM_001321852.2, NM_001321853.2 and 3 more transcripts); c.1886A>G, p.Asp629Gly (NM_001321857.2); short protein forms D629G, D630G.
Identifiers: ClinVar variation 2975664 (VCV002975664.3), dbSNP rs2524098198, ClinGen allele CA340667998.